The following is an entry in ClinVar:

NM_000540.3(RYR1):c.980A>T (p.Lys327Met)

Gene: RYR1 (ryanodine receptor 1; plus strand). Cytogenetic location: 19q13.2.
Variant type: single nucleotide variant.
Coding change: c.980A>T on transcript NM_000540.3 (MANE Select); coding-DNA position 980, A replaced by T.
Protein change: p.Lys327Met; replaces lysine 327 with methionine.
Molecular consequence: missense variant.
Genome position (GRCh38, 1-based): chr19:38,448,671, A>T. VCF-style: chr19-38448671-A-T. GRCh37 (hg19) VCF-style: chr19-38939311-A-T.
Other names: c.980A>T, p.Lys327Met (NM_001042723.2); short protein forms K327M.
Identifiers: ClinVar variation 3708799 (VCV003708799.3).

ClinVar aggregate classification (germline): Uncertain significance. Review status: criteria provided, multiple submitters, no conflicts (2 of 4 stars). 2 submissions from 2 submitters: Uncertain significance (2). Last evaluated 2025-05-30.

Conditions:
Malignant hyperthermia, susceptibility to, 1 (MHS1). Also called: Anesthesia related hyperthermia; Malignant hyperpyrexia; Fulminating hyperpyrexia; Pharmacogenic myopathy; RYR1-Related Malignant Hyperthermia Susceptibility; Malignant hyperthermia suceptibility 1. Identifiers: Orphanet 423, MedGen C2930980, MONDO:0007783, OMIM 145600.
RYR1-related disorder. Also called: RYR1-related condition; RYR1-related disorders. Identifiers: MedGen CN239331.

gnomAD v4.1: 3 of 1,614,196 alleles (0.00019%); highest among the groups gnomAD compares: Non-Finnish European, 0.00025%; no homozygotes.

Submissions (2):

Color Diagnostics, LLC DBA Color Health
Classification: Uncertain significance for Malignant hyperthermia, susceptibility to, 1. Last evaluated: 2025-05-30. Review status: criteria provided, single submitter. Criteria: ACMG Guidelines, 2015. Collection method: clinical testing. Allele origin: germline.
Comment: This missense variant replaces lysine with methionine at codon 327 of the RYR1 protein. Computational prediction is inconclusive regarding the impact of this variant on protein structure and function. To our knowledge, functional studies have not been reported for this variant. This variant has not been reported in individuals affected with RYR1-related disorders in the literature. This variant has been identified in 2/251434 chromosomes in the general population by the Genome Aggregation Database (gnomAD). The available evidence is insufficient to determine the role of this variant in disease conclusively. Therefore, this variant is classified as a Variant of Uncertain Significance.

Labcorp Genetics (formerly Invitae), Labcorp
Classification: Uncertain significance for RYR1-related disorder. Last evaluated: 2024-09-14. Review status: criteria provided, single submitter. Criteria: Invitae Variant Classification Sherloc (09022015). Collection method: clinical testing. Allele origin: germline.
Comment: This sequence change replaces lysine, which is basic and polar, with methionine, which is neutral and non-polar, at codon 327 of the RYR1 protein (p.Lys327Met). This variant is present in population databases (no rsID available, gnomAD 0.002%). This variant has not been reported in the literature in individuals affected with RYR1-related conditions. Invitae Evidence Modeling of protein sequence and biophysical properties (such as structural, functional, and spatial information, amino acid conservation, physicochemical variation, residue mobility, and thermodynamic stability) has been performed for this missense variant. However, the output from this modeling did not meet the statistical confidence thresholds required to predict the impact of this variant on RYR1 protein function. In summary, the available evidence is currently insufficient to determine the role of this variant in disease. Therefore, it has been classified as a Variant of Uncertain Significance.